The following is an entry in ClinVar:

ClinVar aggregate classification (germline): Benign/Likely benign. Review status: criteria provided, multiple submitters, no conflicts (2 of 4 stars). 2 submissions from 2 submitters: Benign (1); Likely benign (1). Last evaluated 2026-04-30.

Conditions:
Colorectal cancer, hereditary nonpolyposis, type 7. Identifiers: Orphanet 144, MedGen C1858380, MONDO:0013725, OMIM 614385.

Allele frequency attached by ClinVar (database versions not stated): gnomAD 0.00001; TOPMed 0.00001; ESP Exome Variant Server 0.00008; ExAC 0.00001.
gnomAD v4.1: 2 of 1,613,946 alleles (0.00012%); highest among the groups gnomAD compares: African/African-American, 0.0027%; no homozygotes.

Submissions (2):

Myriad Genetics, Inc.
Classification: Benign for Colorectal cancer, hereditary nonpolyposis, type 7. Last evaluated: 2026-04-30. Review status: criteria provided, single submitter. Criteria: Myriad Autosomal Dominant, Autosomal Recessive and X-Linked Classification Criteria (2023). Collection method: clinical testing. Allele origin: unknown.
Comment: This variant is considered benign. This variant is a silent/synonymous amino acid change and it is not expected to impact splicing.

Ambry Genetics
Classification: Likely benign. Last evaluated: 2019-09-09. Review status: criteria provided, single submitter. Criteria: Ambry Variant Classification Scheme 2023. Collection method: clinical testing. Allele origin: germline.

NM_001040108.2(MLH3):c.1593T>C (p.Ser531=)

Gene: MLH3 (mutL homolog 3; minus strand). Cytogenetic location: 14q24.3.
Variant type: single nucleotide variant.
Coding change: c.1593T>C on transcript NM_001040108.2 (MANE Select); coding-DNA position 1593, T replaced by C.
Protein change: p.Ser531=; no amino-acid change (serine 531 retained).
Molecular consequence: synonymous variant.
Genome position (GRCh38, 1-based): chr14:75,048,063, A>G on the plus strand (T>C on the coding strand, the complement: MLH3 is on the minus strand). VCF-style: chr14-75048063-A-G. GRCh37 (hg19) VCF-style: chr14-75514766-A-G.
Other names: c.1593T>C, p.Ser531= (NM_014381.3).
Identifiers: ClinVar variation 1775975 (VCV001775975.3), dbSNP rs149642740, ClinGen allele CA7275848.